The following is an entry in ClinVar:

ClinVar aggregate classification (germline): Conflicting classifications of pathogenicity. Review status: criteria provided, conflicting classifications (1 of 4 stars). 2 submissions from 2 submitters: Likely pathogenic (1); Uncertain significance (1). Last evaluated 2026-04-01.

Conditions:
Hypotrichosis-lymphedema-telangiectasia syndrome (HLTS). Identifiers: Orphanet 69735, MedGen C1843004, MONDO:0011914, OMIM 607823.

Submissions (2):

Clinical Genomics Laboratory, Washington University in St. Louis
Classification: Likely pathogenic for Hypotrichosis-lymphedema-telangiectasia syndrome. Last evaluated: 2026-04-01. Review status: criteria provided, single submitter. Criteria: ACMG Guidelines, 2015. Collection method: clinical testing. Allele origin: germline. Affected: yes.
Comment: A SOX18 c.505G>T (p.Glu169*) variant was identified at an allelic fraction consistent with somatic origin. This variant, to our knowledge, has not been reported in the medical literature, but has been reported in the ClinVar database as a germline variant of uncertain significance by one submitter (Variation ID: 842597). It is absent from the general population (gnomAD v4.1.0), indicating it is not a common variant. This nonsense variant leads to a premature termination codon. Because this occurs in the last exon, it is not predicted to lead to nonsense mediated decay of the transcript, though it is predicted to to disrupt >200 bases of the 3' end of the protein. Based on available information and an internally developed protocol informed by the ACMG/AMP guidelines for variant interpretation and gene-specific practices from the ClinGen Criteria Specification Registry (Leon-Quintero FZ et al., PMID: 39434542), the SOX18 c.505G>T (p.Glu169*) variant is classified as likely pathogenic.

Labcorp Genetics (formerly Invitae), Labcorp
Classification: Uncertain significance. Last evaluated: 2019-12-27. Review status: criteria provided, single submitter. Criteria: Invitae Variant Classification Sherloc (09022015). Collection method: clinical testing. Allele origin: germline.
Comment: This variant has not been reported in the literature in individuals with SOX18-related conditions. In summary, the available evidence is currently insufficient to determine the role of this variant in disease. Therefore, it has been classified as a Variant of Uncertain Significance. This variant is not present in population databases (ExAC no frequency). This sequence change results in a premature translational stop signal in the SOX18 gene (p.Glu169*). While this is not anticipated to result in nonsense mediated decay, it is expected to disrupt the last 216 amino acids of the SOX18 protein.

NM_018419.3(SOX18):c.505G>T (p.Glu169Ter)

Gene: SOX18 (SRY-box transcription factor 18; minus strand). Cytogenetic location: 20q13.33.
Variant type: single nucleotide variant.
Coding change: c.505G>T on transcript NM_018419.3 (MANE Select); coding-DNA position 505, G replaced by T.
Protein change: p.Glu169Ter; replaces glutamic acid 169 with a stop codon.
Molecular consequence: nonsense.
Genome position (GRCh38, 1-based): chr20:64,048,816, C>A on the plus strand (G>T on the coding strand, the complement: SOX18 is on the minus strand). VCF-style: chr20-64048816-C-A. GRCh37 (hg19) VCF-style: chr20-62680169-C-A.
Other names: short protein forms E169*.
Identifiers: ClinVar variation 842597 (VCV000842597.10), dbSNP rs1244174112, ClinGen allele CA409754122.